The following is an entry in ClinVar:

ClinVar aggregate classification (germline): Uncertain significance (1 of 4 stars; one submission).

Conditions:
Renal cell carcinoma. Identifiers: Orphanet 217071, MedGen C0007134, MeSH D002292, MONDO:0005086, HP:0005584.

Submission:

Labcorp Genetics (formerly Invitae), Labcorp
Classification: Uncertain significance for Renal cell carcinoma. Last evaluated: 2025-04-23. Review status: criteria provided, single submitter. Criteria: Invitae Variant Classification Sherloc (09022015). Collection method: clinical testing. Allele origin: germline.
Comment: This sequence change replaces glutamic acid, which is acidic and polar, with glutamine, which is neutral and polar, at codon 59 of the MET protein (p.Glu59Gln). This variant is not present in population databases (gnomAD no frequency). This variant has not been reported in the literature in individuals affected with MET-related conditions. Invitae Evidence Modeling of protein sequence and biophysical properties (such as structural, functional, and spatial information, amino acid conservation, physicochemical variation, residue mobility, and thermodynamic stability) indicates that this missense variant is not expected to disrupt MET protein function with a negative predictive value of 80%. In summary, the available evidence is currently insufficient to determine the role of this variant in disease. Therefore, it has been classified as a Variant of Uncertain Significance.

NM_000245.4(MET):c.175G>C (p.Glu59Gln)

Gene: MET (MET proto-oncogene, receptor tyrosine kinase; plus strand). Cytogenetic location: 7q31.2.
Variant type: single nucleotide variant.
Coding change: c.175G>C on transcript NM_000245.4 (MANE Select); coding-DNA position 175, G replaced by C.
Protein change: p.Glu59Gln; replaces glutamic acid 59 with glutamine.
Molecular consequence: missense variant. On other transcripts: intron variant (1).
Genome position (GRCh38, 1-based): chr7:116,699,259, G>C. VCF-style: chr7-116699259-G-C. GRCh37 (hg19) VCF-style: chr7-116339313-G-C.
Other names: c.175G>C, p.Glu59Gln (NM_001127500.3, NM_001324401.3); c.-91+26682G>C (NM_001324402.2); short protein forms E59Q.
Identifiers: ClinVar variation 4746027 (VCV004746027.1).
Genomic context (GRCh38, chr7:116,699,259, plus strand): 5'-ATGAAGTATCAGCTTCCCAACTTCACCGCGGAAACACCCATCCAGAATGTCATTCTACAT[G>C]AGCATCACATTTTCCTTGGTGCCACTAACTACATTTATGTTTTAAATGAGGAAGACCTTC-3'
Protein context (NP_000236.2, residues 49-69): ETPIQNVILH[Glu59Gln]HHIFLGATNY